The following is an entry in ClinVar:

NM_016097.5(IER3IP1):c.200T>C (p.Leu67Ser)

Gene: IER3IP1 (immediate early response 3 interacting protein 1; minus strand). Cytogenetic location: 18q21.1.
Variant type: single nucleotide variant.
Coding change: c.200T>C on transcript NM_016097.5 (MANE Select); coding-DNA position 200, T replaced by C.
Protein change: p.Leu67Ser; replaces leucine 67 with serine.
Molecular consequence: missense variant.
Genome position (GRCh38, 1-based): chr18:47,156,226, A>G on the plus strand (T>C on the coding strand, the complement: IER3IP1 is on the minus strand). VCF-style: chr18-47156226-A-G. GRCh37 (hg19) VCF-style: chr18-44682597-A-G.
Other names: short protein forms L67S.
Identifiers: ClinVar variation 2094338 (VCV002094338.4), dbSNP rs2511879805, ClinGen allele CA402489788.

ClinVar aggregate classification (germline): Uncertain significance (1 of 4 stars; one submission).

Conditions:
Microcephaly, epilepsy, and diabetes syndrome. Identifiers: Orphanet 306558, MedGen C3280240, MONDO:0100328.

Submission:

Labcorp Genetics (formerly Invitae), Labcorp
Classification: Uncertain significance for Microcephaly, epilepsy, and diabetes syndrome. Last evaluated: 2022-02-07. Review status: criteria provided, single submitter. Criteria: Invitae Variant Classification Sherloc (09022015). Collection method: clinical testing. Allele origin: germline.
Comment: In summary, the available evidence is currently insufficient to determine the role of this variant in disease. Therefore, it has been classified as a Variant of Uncertain Significance. Algorithms developed to predict the effect of missense changes on protein structure and function (SIFT, PolyPhen-2, Align-GVGD) all suggest that this variant is likely to be disruptive. This variant has not been reported in the literature in individuals affected with IER3IP1-related conditions. This variant is not present in population databases (gnomAD no frequency). This sequence change replaces leucine, which is neutral and non-polar, with serine, which is neutral and polar, at codon 67 of the IER3IP1 protein (p.Leu67Ser).